The following is an entry in ClinVar:

ClinVar aggregate classification (germline): Uncertain significance. Review status: criteria provided, multiple submitters, no conflicts (2 of 4 stars). 2 submissions from 2 submitters: Uncertain significance (2). Last evaluated 2025-09-17.

Conditions:
Hereditary cancer-predisposing syndrome. Also called: Hereditary neoplastic syndrome; Neoplastic Syndromes, Hereditary; Tumor predisposition; Hereditary Cancer Syndrome. Identifiers: Orphanet 140162, MedGen C0027672, MeSH D009386, MONDO:0015356.
Familial adenomatous polyposis 1 (FAP1). Also called: FAMILIAL ADENOMATOUS POLYPOSIS 1, ATTENUATED; POLYPOSIS, ADENOMATOUS INTESTINAL. Identifiers: MedGen C2713442, MONDO:0021056, OMIM 175100. Disease mechanism: loss of function.

Allele frequency attached by ClinVar (database versions not stated): gnomAD 0.00001.
gnomAD v4.1: 1 of 1,614,048 alleles (0.000062%); highest among the groups gnomAD compares: African/African-American, 0.0013%; no homozygotes.

Submissions (2):

Ambry Genetics
Classification: Uncertain significance for Hereditary cancer-predisposing syndrome. Last evaluated: 2025-09-17. Review status: criteria provided, single submitter. Criteria: Ambry Variant Classification Scheme 2023. Collection method: clinical testing. Allele origin: germline.
Comment: The p.S1495R variant (also known as c.4485T>G), located in coding exon 15 of the APC gene, results from a T to G substitution at nucleotide position 4485. The serine at codon 1495 is replaced by arginine, an amino acid with dissimilar properties. This amino acid position is conserved. In addition, in silico predictors for this gene do not accurately predict pathogenicity. Based on the available evidence, the clinical significance of this variant remains unclear.

Labcorp Genetics (formerly Invitae), Labcorp
Classification: Uncertain significance for Familial adenomatous polyposis 1. Last evaluated: 2023-09-08. Review status: criteria provided, single submitter. Criteria: Invitae Variant Classification Sherloc (09022015). Collection method: clinical testing. Allele origin: germline.
Comment: In summary, the available evidence is currently insufficient to determine the role of this variant in disease. Therefore, it has been classified as a Variant of Uncertain Significance. Advanced modeling of protein sequence and biophysical properties (such as structural, functional, and spatial information, amino acid conservation, physicochemical variation, residue mobility, and thermodynamic stability) performed at Invitae indicates that this missense variant is not expected to disrupt APC protein function. ClinVar contains an entry for this variant (Variation ID: 947104). This variant has not been reported in the literature in individuals affected with APC-related conditions. This variant is not present in population databases (gnomAD no frequency). This sequence change replaces serine, which is neutral and polar, with arginine, which is basic and polar, at codon 1495 of the APC protein (p.Ser1495Arg).

NM_000038.6(APC):c.4485T>G (p.Ser1495Arg)

Gene: APC (APC regulator of Wnt signaling pathway; plus strand). Cytogenetic location: 5q22.2.
Variant type: single nucleotide variant.
Coding change: c.4485T>G on transcript NM_000038.6 (MANE Select); coding-DNA position 4485, T replaced by G.
Protein change: p.Ser1495Arg; replaces serine 1495 with arginine.
Molecular consequence: missense variant.
Genome position (GRCh38, 1-based): chr5:112,840,079, T>G. VCF-style: chr5-112840079-T-G. GRCh37 (hg19) VCF-style: chr5-112175776-T-G.
Other names: c.4485T>G, p.Ser1495Arg (NM_001127510.3, NM_001354895.2); c.4431T>G, p.Ser1477Arg (NM_001127511.3); c.4539T>G, p.Ser1513Arg (NM_001354896.2); c.4515T>G, p.Ser1505Arg (NM_001354897.2); c.4410T>G, p.Ser1470Arg (NM_001354898.2); c.4401T>G, p.Ser1467Arg (NM_001354899.2); c.4362T>G, p.Ser1454Arg (NM_001354900.2); c.4308T>G, p.Ser1436Arg (NM_001354901.2); and 5 more; short protein forms S1369R, S1404R, S1436R, S1467R, S1470R, S1335R, S1394R, S1454R.
Identifiers: ClinVar variation 947104 (VCV000947104.13), dbSNP rs1765692816, ClinGen allele CA16031151.